The following is an entry in ClinVar:

ClinVar aggregate classification (germline): Pathogenic (1 of 4 stars; one submission).

Submission:

Labcorp Genetics (formerly Invitae), Labcorp
Classification: Pathogenic. Last evaluated: 2024-05-22. Review status: criteria provided, single submitter. Criteria: Invitae Variant Classification Sherloc (09022015). Collection method: clinical testing. Allele origin: germline.
Comment: This sequence change creates a premature translational stop signal (p.Gln511*) in the PLK4 gene. It is expected to result in an absent or disrupted protein product. Loss-of-function variants in PLK4 are known to be pathogenic (PMID: 25320347, 30842647). This variant is not present in population databases (gnomAD no frequency). This variant has not been reported in the literature in individuals affected with PLK4-related conditions. For these reasons, this variant has been classified as Pathogenic.

Literature cited by the submitters: PubMed 25320347; PubMed 30842647.

NM_014264.5(PLK4):c.1531C>T (p.Gln511Ter)

Gene: PLK4 (polo like kinase 4; plus strand). Cytogenetic location: 4q28.1.
Variant type: single nucleotide variant.
Coding change: c.1531C>T on transcript NM_014264.5 (MANE Select); coding-DNA position 1531, C replaced by T.
Protein change: p.Gln511Ter; replaces glutamine 511 with a stop codon.
Molecular consequence: nonsense.
Genome position (GRCh38, 1-based): chr4:127,889,937, C>T. VCF-style: chr4-127889937-C-T. GRCh37 (hg19) VCF-style: chr4-128811092-C-T.
Other names: c.1435C>T, p.Gln479Ter (NM_001190799.2); c.1408C>T, p.Gln470Ter (NM_001190801.2); short protein forms Q479*, Q511*, Q470*.
Identifiers: ClinVar variation 3653686 (VCV003653686.2).
Genomic context (GRCh38, chr4:127,889,937, plus strand): 5'-AAAACTACTGAATATGACAGCATCAGCCCAAACCGGGACTTCCAGGGCCATCCAGATTTG[C>T]AGAAGGACACATCAAAAAATGCCTGGACTGATACAAAAGTCAAAAAGAACTCTGATGCTT-3'